The following is an entry in ClinVar:

ClinVar aggregate classification (germline): Uncertain significance (1 of 4 stars; one submission).

Allele frequency attached by ClinVar (database versions not stated): ESP Exome Variant Server 0.00015.
gnomAD v4.1: 7 of 1,612,650 alleles (0.00043%); no homozygotes.

Submission:

Women's Health and Genetics/Laboratory Corporation of America, LabCorp
Classification: Uncertain significance. Last evaluated: 2023-06-06. Review status: criteria provided, single submitter. Criteria: LabCorp Variant Classification Summary - May 2015. Collection method: clinical testing. Allele origin: germline.
Comment: Variant summary: TH c.1240G>T (p.Gly414Trp) results in a non-conservative amino acid change to a highly conserved residue (HGMD) located in the Aromatic amino acid hydroxylase, C-terminal (IPR019774) of the encoded protein sequence. Four of five in-silico tools predict a damaging effect of the variant on protein function. The variant allele was found at a frequency of 8e-06 in 249482 control chromosomes (gnomAD). The available data on variant occurrences in the general population are insufficient to allow any conclusion about variant significance. c.1240G>T has been reported in the literature in an individual affected with Leigh-like syndrome with another variant of uncertain significance in trans (Champagne_2022). These data do not allow any conclusion about variant significance. To our knowledge, no experimental evidence demonstrating an impact on protein function has been reported. The following publication has been ascertained in the context of this evaluation (PMID: 36101825). No clinical diagnostic laboratories have submitted clinical-significance assessments for this variant to ClinVar after 2014. Based on the evidence outlined above, the variant was classified as uncertain significance.

Literature cited by the submitters: PubMed 36101825.

NM_000360.4(TH):c.1147G>T (p.Gly383Trp)

Gene: TH (tyrosine hydroxylase; minus strand). Cytogenetic location: 11p15.5.
Variant type: single nucleotide variant.
Coding change: c.1147G>T on transcript NM_000360.4 (MANE Select); coding-DNA position 1147, G replaced by T.
Protein change: p.Gly383Trp; replaces glycine 383 with tryptophan.
Molecular consequence: missense variant.
Genome position (GRCh38, 1-based): chr11:2,165,721, C>A on the plus strand (G>T on the coding strand, the complement: TH is on the minus strand). VCF-style: chr11-2165721-C-A. GRCh37 (hg19) VCF-style: chr11-2186951-C-A.
Other names: c.1240G>T, p.Gly414Trp (NM_199292.3); c.1228G>T, p.Gly410Trp (NM_199293.3); short protein forms G383W, G410W, G414W.
Identifiers: ClinVar variation 2573353 (VCV002573353.1), dbSNP rs370962049, ClinGen allele CA5818361.